The following is an entry in ClinVar:

ClinVar aggregate classification (germline): Benign. Review status: reviewed by expert panel (3 of 4 stars). 11 submissions from 11 submitters: Benign (1). 10 of the submissions do not count toward it. Last evaluated 2024-02-01.

Conditions:
Hereditary factor VIII deficiency disease (HEMA). Also called: AUTOSOMAL HEMOPHILIA A; Hemophilia A; HEMOPHILIA, CLASSIC; Hemophilia A, congenital; HEM A; Factor 8 deficiency, congenital. Identifiers: Orphanet 98878, MedGen C0019069, MONDO:0010602, OMIM 306700.
Thrombophilia, X-linked, due to factor 8 defect. Also called: THROMBOPHILIA, X-LINKED, DUE TO FACTOR VIII DEFECT; Thrombophilia 13, X-linked, due to factor VIII defect. Identifiers: MedGen C5676879, MONDO:0859082, OMIM 301071.

Allele frequency attached by ClinVar (database versions not stated): gnomAD exomes 0.00694 and 0.01951; gnomAD 0.07378 and 0.06895; TOPMed 0.07775; 1000 Genomes Project 0.07788; 1000 Genomes Project 30x 0.08117; ExAC 0.02512; ESP Exome Variant Server 0.08596.
gnomAD v4.1: 15,633 of 1,209,616 alleles (1.3%); highest among the groups gnomAD compares: African/African-American, 24%; 1,264 homozygotes.

Submissions (11):

ClinGen Coagulation Factor Deficiency Variant Curation Expert Panel, Clingen
Classification: Benign for Hereditary factor VIII deficiency disease. Last evaluated: 2024-02-01. Review status: reviewed by expert panel. Criteria: ClinGen CoagFactor ACMG Specifications F8 V1.0.0. Collection method: curation. Allele origin: germline. Inheritance: X-linked inheritance.
Comment: The missense variant, NM_000132.3(F8):c.6769A>G (p.Met2257Val), is reported at an MAF of 0.2418 (4578/18936 with 1245 hemizygotes) in the African population in gnomAD v2.1.1. A REVEL score of 0.292 and SpliceAI score of 0 meets BP4 cut-off (respective thresholds <0.3 and <0.05). In summary, this variant meets criteria to be classified as benign. ACMG/AMP criteria applied, as specified by the Coagulation Factor Deficiency variant curation expert panel for F8: BA1, BP4.

ARUP Laboratories, Molecular Genetics and Genomics, ARUP Laboratories
Classification: Benign. Last evaluated: 2025-04-28. Review status: criteria provided, single submitter. Criteria: ARUP Molecular Germline Variant Investigation Process 2024. Collection method: clinical testing. Allele origin: germline. Not counted in ClinVar's aggregate classification.

Center for Genomic Medicine, Rigshospitalet, Copenhagen University Hospital
Classification: Benign. Last evaluated: 2025-03-04. Review status: criteria provided, single submitter. Criteria: ACMG Guidelines, 2015. Collection method: clinical testing. Allele origin: germline. Not counted in ClinVar's aggregate classification.

Blueprint Genetics
Classification: Likely benign. Last evaluated: 2024-11-26. Review status: criteria provided, single submitter. Criteria: ACMG Guidelines, 2015. Collection method: clinical testing. Allele origin: germline. Not counted in ClinVar's aggregate classification.

Mayo Clinic Laboratories, Mayo Clinic
Classification: Benign. Last evaluated: 2023-08-31. Review status: criteria provided, single submitter. Criteria: ACMG Guidelines, 2015. Collection method: clinical testing. Allele origin: germline. Observed: 30 variant alleles. Not counted in ClinVar's aggregate classification.
Comment: BA1, BS2, BS3

Fulgent Genetics
Classification: Benign for Thrombophilia, X-linked, due to factor 8 defect; Hereditary factor VIII deficiency disease. Last evaluated: 2022-05-19. Review status: criteria provided, single submitter. Criteria: ACMG Guidelines, 2015. Collection method: clinical testing. Allele origin: unknown. Not counted in ClinVar's aggregate classification.

Illumina Laboratory Services, Illumina
Classification: Benign for Hereditary factor VIII deficiency disease. Last evaluated: 2017-04-27. Review status: criteria provided, single submitter. Criteria: ICSL Variant Classification Criteria 13 December 2019. Collection method: clinical testing. Allele origin: germline. Not counted in ClinVar's aggregate classification.
Comment: This variant was observed as part of a predisposition screen in an ostensibly healthy population. A literature search was performed for the gene, cDNA change, and amino acid change (where applicable). Publications were found based on this search. The evidence from the literature, in combination with allele frequency data from public databases where available, was sufficient to rule this variant out of causing disease. Therefore, this variant is classified as benign.

Laboratory for Molecular Medicine, Mass General Brigham Personalized Medicine
Classification: Benign. Last evaluated: 2016-03-28. Review status: criteria provided, single submitter. Criteria: LMM Criteria. Collection method: clinical testing. Allele origin: germline. Not counted in ClinVar's aggregate classification.
Comment: Variant identified in a genome or exome case(s) and assessed due to predicted null impact of the variant or pathogenic assertions in the literature or databases. Disclaimer: This variant has not undergone full assessment. The following are preliminary notes: Frequency in ESP (all): 908/10563=8.59%

Breakthrough Genomics
Classification: Benign. Review status: criteria provided, single submitter. Criteria: ACMG Guidelines, 2015. Collection method: not provided. Allele origin: germline. Inheritance: X-linked inheritance. Affected: yes. Not counted in ClinVar's aggregate classification.

PreventionGenetics, part of Exact Sciences
Classification: Benign. Review status: criteria provided, single submitter. Criteria: ACMG Guidelines, 2015. Collection method: clinical testing. Allele origin: germline. Not counted in ClinVar's aggregate classification.

GeneReviews
Classification: Benign for Hemophilia A. Last evaluated: 2011-09-22. Review status: no assertion criteria provided. Collection method: curation. Allele origin: unknown. Not counted in ClinVar's aggregate classification.
ClinVar note: Converted during submission from benign to Benign.

Literature cited by the submitters: PubMed 23711237 (cited by Illumina Laboratory Services, Illumina); PubMed 20301578 (cited by Illumina Laboratory Services, Illumina); PubMed 7579394 (cited by Illumina Laboratory Services, Illumina).

NM_000132.4(F8):c.6769A>G (p.Met2257Val)

Gene: F8 (coagulation factor VIII; minus strand). Cytogenetic location: Xq28.
Variant type: single nucleotide variant.
Coding change: c.6769A>G on transcript NM_000132.4 (MANE Select); coding-DNA position 6769, A replaced by G.
Protein change: p.Met2257Val; replaces methionine 2257 with valine.
Molecular consequence: missense variant.
Genome position (GRCh38, 1-based): chrX:154,860,563, T>C on the plus strand (A>G on the coding strand, the complement: F8 is on the minus strand). VCF-style: chrX-154860563-T-C. GRCh37 (hg19) VCF-style: chrX-154088838-T-C.
Other names: NM_000132.3(F8):c.6769A>G; c.364A>G, p.Met122Val (NM_019863.3); short protein forms M2257V, M122V.
Identifiers: ClinVar variation 41001 (VCV000041001.32), dbSNP rs1800297, ClinGen allele CA343869.